The following is an entry in ClinVar:

NM_182961.4(SYNE1):c.3070A>T (p.Ile1024Phe)

Gene: SYNE1 (spectrin repeat containing nuclear envelope protein 1; minus strand). Cytogenetic location: 6q25.2.
Variant type: single nucleotide variant.
Coding change: c.3070A>T on transcript NM_182961.4 (MANE Select); coding-DNA position 3070, A replaced by T.
Protein change: p.Ile1024Phe; replaces isoleucine 1024 with phenylalanine.
Molecular consequence: missense variant.
Genome position (GRCh38, 1-based): chr6:152,451,163, T>A on the plus strand (A>T on the coding strand, the complement: SYNE1 is on the minus strand). VCF-style: chr6-152451163-T-A. GRCh37 (hg19) VCF-style: chr6-152772298-T-A.
Other names: c.3091A>T, p.Ile1031Phe (NM_033071.5); short protein forms I1024F, I1031F.
Identifiers: ClinVar variation 2436640 (VCV002436640.4), dbSNP rs2501679872, ClinGen allele CA366150268.

ClinVar aggregate classification (germline): Uncertain significance. Review status: criteria provided, single submitter (1 of 4 stars). 2 submissions from 2 submitters: Uncertain significance (1). 1 of the submissions does not count toward it. Last evaluated 2019-11-05.

Conditions:
SYNE1-related disorder. Also called: SYNE1-related disease; SYNE1-related condition; SYNE1-related disorders.

Allele frequency attached by ClinVar (database versions not stated): gnomAD exomes below 0.00001.
gnomAD v4.1: 3 of 1,614,066 alleles (0.00019%); highest among the groups gnomAD compares: Non-Finnish European, 0.00025%; no homozygotes.

Submissions (2):

Revvity Omics, Revvity
Classification: Uncertain significance. Last evaluated: 2019-11-05. Review status: criteria provided, single submitter. Criteria: ACMG Guidelines, 2015. Collection method: clinical testing. Allele origin: germline.

PreventionGenetics, part of Exact Sciences
Classification: Uncertain significance for SYNE1-related condition. Last evaluated: 2024-04-04. Review status: no assertion criteria provided. Collection method: clinical testing. Allele origin: germline. Not counted in ClinVar's aggregate classification.
Comment: The SYNE1 c.3091A>T variant is predicted to result in the amino acid substitution p.Ile1031Phe. To our knowledge, this variant has not been reported in the literature or in a large population database, indicating this variant is rare. At this time, the clinical significance of this variant is uncertain due to the absence of conclusive functional and genetic evidence.